The following is an entry in ClinVar:

ClinVar aggregate classification (germline): Likely benign. Review status: criteria provided, multiple submitters, no conflicts (2 of 4 stars). 4 submissions from 4 submitters: Likely benign (3). 1 of the submissions does not count toward it. Last evaluated 2026-01-01.

Conditions:
GNAS-related disorder. Identifiers: MedGen CN380105.

Allele frequency attached by ClinVar (database versions not stated): ExAC 0.00018; gnomAD 0.00019; TOPMed 0.00015; ESP Exome Variant Server 0.00032.
gnomAD v4.1: 431 of 1,607,184 alleles (0.027%); highest among the groups gnomAD compares: Non-Finnish European, 0.035%; 1 homozygote.

Submissions (4):

CeGaT Center for Human Genetics Tuebingen
Classification: Likely benign. Last evaluated: 2026-01-01. Review status: criteria provided, single submitter. Criteria: CeGaT Center For Human Genetics Tuebingen Variant Classification Criteria Version 2. Collection method: clinical testing. Allele origin: germline. Affected: yes. Observed: 2 variant alleles.
Comment: GNAS: BP4, BS2

Laboratory of Genetics, Children's Clinical University Hospital Latvia
Classification: Likely benign. Last evaluated: 2025-02-16. Review status: criteria provided, single submitter. Criteria: ACMG Guidelines, 2015. Collection method: clinical testing. Allele origin: germline. Affected: yes.

Blueprint Genetics
Classification: Likely benign. Last evaluated: 2024-11-21. Review status: criteria provided, single submitter. Criteria: ACMG Guidelines, 2015. Collection method: clinical testing. Allele origin: germline.

PreventionGenetics, part of Exact Sciences
Classification: Likely benign for GNAS-related condition. Last evaluated: 2021-03-02. Review status: no assertion criteria provided. Collection method: clinical testing. Allele origin: germline. Not counted in ClinVar's aggregate classification.
Comment: This variant is classified as likely benign based on ACMG/AMP sequence variant interpretation guidelines (Richards et al. 2015 PMID: 25741868, with internal and published modifications).

NM_080425.4(GNAS):c.1923G>C (p.Leu641=)

Gene: GNAS (GNAS complex locus; plus strand). Cytogenetic location: 20q13.32.
Variant type: single nucleotide variant.
Coding change: c.1923G>C on transcript NM_080425.4 (MANE Plus Clinical); coding-DNA position 1923, G replaced by C.
Protein change: p.Leu641=; no amino-acid change (leucine 641 retained).
Molecular consequence: synonymous variant. On other transcripts: missense variant (2), intron variant (3).
Genome position (GRCh38, 1-based): chr20:58,855,188, G>C. VCF-style: chr20-58855188-G-C. GRCh37 (hg19) VCF-style: chr20-57430243-G-C.
Other names: c.1736G>C, p.Trp579Ser (NM_001077490.3, NM_001309883.1); c.1923G>C, p.Leu641= (NM_001410913.1); c.*42+14302G>C (NM_016592.5); c.43+14302G>C (NM_001410912.1); c.-39+13313G>C (NM_001309861.2); short protein forms W579S.
Identifiers: ClinVar variation 3043526 (VCV003043526.11), dbSNP rs76145268, ClinGen allele CA9926792.
Genomic context (GRCh38, chr20:58,855,188, plus strand): 5'-TCGATCTGAGAGTCCCCAGCCCAAAGCCTCGCGCTCTCTCAAGGTCAAGAAGGTACCCCT[G>C]GCGGAGAAGCGCAGACAGATGCGCAAAGAAGCCCTGGAGAAGCGGGCCCAGAAGCGCGCA-3'
Protein context (NP_536350.2, residues 631-651): SRSLKVKKVP[Leu641=]AEKRRQMRKE